The following is an entry in ClinVar:

NM_003283.6(TNNT1):c.-11-161T>C

Gene: TNNT1 (troponin T1, slow skeletal type; minus strand). Cytogenetic location: 19q13.42.
Variant type: single nucleotide variant.
Coding change: c.-11-161T>C on transcript NM_003283.6 (MANE Select); 161 bases into the intron before 11 bases upstream of the start codon, T replaced by C.
Molecular consequence: intron variant.
Genome position (GRCh38, 1-based): chr19:55,147,329, A>G on the plus strand (T>C on the coding strand, the complement: TNNT1 is on the minus strand). VCF-style: chr19-55147329-A-G. GRCh37 (hg19) VCF-style: chr19-55658697-A-G.
Other names: c.-11-161T>C (NM_001126133.3, NM_001126132.3, NM_001291774.2).
Identifiers: ClinVar variation 670366 (VCV000670366.2), dbSNP rs75884999, ClinGen allele CA310140619.

ClinVar aggregate classification (germline): Benign. Review status: criteria provided, multiple submitters, no conflicts (2 of 4 stars). 2 submissions from 2 submitters: Benign (2). Last evaluated 2018-06-19.

Allele frequency attached by ClinVar (database versions not stated): gnomAD exomes 0.11930; gnomAD 0.21386 and 0.21654.

Submissions (2):

GeneDx
Classification: Benign. Last evaluated: 2018-06-19. Review status: criteria provided, single submitter. Criteria: GeneDx Variant Classification (06012015). Collection method: clinical testing. Allele origin: germline. Affected: yes.
Comment: This variant is considered likely benign or benign based on one or more of the following criteria: it is a conservative change, it occurs at a poorly conserved position in the protein, it is predicted to be benign by multiple in silico algorithms, and/or has population frequency not consistent with disease.

Breakthrough Genomics
Classification: Benign. Review status: criteria provided, single submitter. Criteria: ACMG Guidelines, 2015. Collection method: not provided. Allele origin: germline. Inheritance: Autosomal recessive inheritance. Affected: yes.